The following is an entry in ClinVar:

NM_001368397.1(FRMPD4):c.741C>G (p.Leu247=)

Gene: FRMPD4 (FERM and PDZ domain containing 4; plus strand). Cytogenetic location: Xp22.2.
Variant type: single nucleotide variant.
Coding change: c.741C>G on transcript NM_001368397.1 (MANE Select); coding-DNA position 741, C replaced by G.
Protein change: p.Leu247=; no amino-acid change (leucine 247 retained).
Molecular consequence: synonymous variant.
Genome position (GRCh38, 1-based): chrX:12,690,254, C>G. VCF-style: chrX-12690254-C-G. GRCh37 (hg19) VCF-style: chrX-12708373-C-G.
Other names: c.852C>G, p.Leu284= (NM_001368395.3, NM_001368398.3); c.747C>G, p.Leu249= (NM_001368396.3); c.732C>G, p.Leu244= (NM_001368399.3); c.621C>G, p.Leu207= (NM_001368400.3); c.717C>G, p.Leu239= (NM_001368401.1, NM_001368402.3); c.741C>G, p.Leu247= (NM_014728.3).
Identifiers: ClinVar variation 714911 (VCV000714911.8), dbSNP rs7049642, ClinGen allele CA10349165.

ClinVar aggregate classification (germline): Benign/Likely benign. Review status: criteria provided, multiple submitters, no conflicts (2 of 4 stars). 4 submissions from 4 submitters: Benign (2); Likely benign (1). 1 of the submissions does not count toward it. Last evaluated 2021-08-17.

Conditions:
Intellectual developmental disorder, X-linked 104. Also called: Intellectual disability, X-linked 104. Identifiers: MedGen C4310817, MONDO:0010509, OMIM 300983.
FRMPD4-related disorder. Also called: FRMPD4-related condition.

Allele frequency attached by ClinVar (database versions not stated): 1000 Genomes Project 0.00821; 1000 Genomes Project 30x 0.00978; gnomAD 0.01254 and 0.01163; TOPMed 0.01336; gnomAD exomes 0.00322 and 0.00109; ExAC 0.00421; ESP Exome Variant Server 0.01534.
gnomAD v4.1: 2,559 of 1,199,682 alleles (0.21%); highest among the groups gnomAD compares: African/African-American, 4%; 26 homozygotes.

Submissions (4):

Fulgent Genetics
Classification: Likely benign for Intellectual developmental disorder, X-linked 104. Last evaluated: 2021-08-17. Review status: criteria provided, single submitter. Criteria: ACMG Guidelines, 2015. Collection method: clinical testing. Allele origin: unknown.

Labcorp Genetics (formerly Invitae), Labcorp
Classification: Benign. Last evaluated: 2019-12-31. Review status: criteria provided, single submitter. Criteria: Invitae Variant Classification Sherloc (09022015). Collection method: clinical testing. Allele origin: germline.

Breakthrough Genomics
Classification: Benign. Review status: criteria provided, single submitter. Criteria: ACMG Guidelines, 2015. Collection method: not provided. Allele origin: germline. Inheritance: X-linked inheritance. Affected: yes.

PreventionGenetics, part of Exact Sciences
Classification: Benign for FRMPD4-related condition. Last evaluated: 2019-03-20. Review status: no assertion criteria provided. Collection method: clinical testing. Allele origin: germline. Not counted in ClinVar's aggregate classification.
Comment: This variant is classified as benign based on ACMG/AMP sequence variant interpretation guidelines (Richards et al. 2015 PMID: 25741868, with internal and published modifications).